The following is an entry in ClinVar:

ClinVar aggregate classification (germline): Pathogenic (1 of 4 stars; one submission).

Submission:

Labcorp Genetics (formerly Invitae), Labcorp
Classification: Pathogenic. Last evaluated: 2023-02-08. Review status: criteria provided, single submitter. Criteria: Invitae Variant Classification Sherloc (09022015). Collection method: clinical testing. Allele origin: unknown.
Comment: This variant is a gross deletion of the genomic region encompassing exon(s) 2-4 of the C6 gene, which includes the initiator codon. This deletion extends beyond the assayed region for this gene and therefore may encompass additional genes. It is expected to result in an absent or disrupted protein product. Loss-of-function variants in C6 are known to be pathogenic (PMID: 17257682). This variant has not been reported in the literature in individuals affected with C6-related conditions. For these reasons, this variant has been classified as Pathogenic.

Literature cited by the submitters: PubMed 17257682.

NC_000005.9:g.(?_41199850)_(41203332_?)del

Gene: C6 (complement C6; minus strand). Cytogenetic location: 5p13.1.
Variant type: Deletion.
Identifiers: ClinVar variation 3246425 (VCV003246425.1).